The following is an entry in ClinVar:

NM_001354930.2(RIPK1):c.562G>A (p.Gly188Ser)

Gene: RIPK1 (receptor interacting serine/threonine kinase 1; plus strand). Cytogenetic location: 6p25.2.
Variant type: single nucleotide variant.
Coding change: c.562G>A on transcript NM_001354930.2 (MANE Select); coding-DNA position 562, G replaced by A.
Protein change: p.Gly188Ser; replaces glycine 188 with serine.
Molecular consequence: missense variant.
Genome position (GRCh38, 1-based): chr6:3,083,187, G>A. VCF-style: chr6-3083187-G-A. GRCh37 (hg19) VCF-style: chr6-3083421-G-A.
Other names: c.73G>A, p.Gly25Ser (NM_001317061.3, NM_001354932.2, NM_001354933.2 and 1 more transcripts); c.424G>A, p.Gly142Ser (NM_001354931.2); c.562G>A, p.Gly188Ser (NM_003804.6); short protein forms G25S, G188S, G142S.
Identifiers: ClinVar variation 1425346 (VCV001425346.9), dbSNP rs369855897, ClinGen allele CA3618224.

ClinVar aggregate classification (germline): Uncertain significance. Review status: criteria provided, multiple submitters, no conflicts (2 of 4 stars). 2 submissions from 2 submitters: Uncertain significance (2). Last evaluated 2025-02-03.

Allele frequency attached by ClinVar (database versions not stated): 1000 Genomes Project 30x 0.00016; 1000 Genomes Project 0.00020.
gnomAD v4.1: 59 of 1,613,992 alleles (0.0037%); highest among the groups gnomAD compares: Non-Finnish European, 0.0043%; no homozygotes.

Submissions (2):

Labcorp Genetics (formerly Invitae), Labcorp
Classification: Uncertain significance. Last evaluated: 2025-02-03. Review status: criteria provided, single submitter. Criteria: Invitae Variant Classification Sherloc (09022015). Collection method: clinical testing. Allele origin: germline.
Comment: This sequence change replaces glycine, which is neutral and non-polar, with serine, which is neutral and polar, at codon 188 of the RIPK1 protein (p.Gly188Ser). This variant is present in population databases (rs369855897, gnomAD 0.005%). This variant has not been reported in the literature in individuals affected with RIPK1-related conditions. ClinVar contains an entry for this variant (Variation ID: 1425346). An algorithm developed to predict the effect of missense changes on protein structure and function (PolyPhen-2) suggests that this variant is likely to be disruptive. In summary, the available evidence is currently insufficient to determine the role of this variant in disease. Therefore, it has been classified as a Variant of Uncertain Significance.

Blueprint Genetics
Classification: Uncertain significance. Last evaluated: 2024-10-21. Review status: criteria provided, single submitter. Criteria: ACMG Guidelines, 2015. Collection method: clinical testing. Allele origin: germline.